The following is an entry in ClinVar:

ClinVar aggregate classification (germline): Likely pathogenic. Review status: criteria provided, multiple submitters, no conflicts (2 of 4 stars). 2 submissions from 2 submitters: Likely pathogenic (2). Last evaluated 2024-10-29.

Conditions:
KATNIP-related disorder. Also called: KATNIP-related condition.
KIAA0556-related disorders.

Allele frequency attached by ClinVar (database versions not stated): gnomAD 0.00001; gnomAD exomes 0.00001; TOPMed 0.00001.
gnomAD v4.1: 7 of 1,612,794 alleles (0.00043%); highest among the groups gnomAD compares: African/African-American, 0.0013%; no homozygotes.

Submissions (2):

PreventionGenetics, part of Exact Sciences
Classification: Likely pathogenic for KATNIP-related condition. Last evaluated: 2024-10-29. Review status: criteria provided, single submitter. Criteria: ACMG Guidelines, 2015. Collection method: clinical testing. Allele origin: germline.
Comment: The KATNIP c.1387G>T variant is predicted to result in premature protein termination (p.Glu463*). To our knowledge, this variant has not been reported in the literature or in a large population database, indicating this variant is rare. Nonsense variants in KATNIP are expected to be pathogenic. This variant is interpreted as likely pathogenic.

Blueprint Genetics
Classification: Likely pathogenic for KIAA0556-related disorders. Last evaluated: 2019-01-18. Review status: criteria provided, single submitter. Criteria: ACMG Guidelines, 2015. Collection method: clinical testing. Allele origin: germline. Affected: yes. Observed: 1 variant allele.

NM_015202.5(KATNIP):c.1387G>T (p.Glu463Ter)

Gene: KATNIP (katanin interacting protein; plus strand). Cytogenetic location: 16p12.1.
Variant type: single nucleotide variant.
Coding change: c.1387G>T on transcript NM_015202.5 (MANE Select); coding-DNA position 1387, G replaced by T.
Protein change: p.Glu463Ter; replaces glutamic acid 463 with a stop codon.
Molecular consequence: nonsense.
Genome position (GRCh38, 1-based): chr16:27,703,996, G>T. VCF-style: chr16-27703996-G-T. GRCh37 (hg19) VCF-style: chr16-27715317-G-T.
Other names: short protein forms E463*.
Identifiers: ClinVar variation 2629526 (VCV002629526.3), dbSNP rs990860262, ClinGen allele CA279726292.